The following is an entry in ClinVar:

NM_000232.5(SGCB):c.715A>G (p.Ile239Val)

Gene: SGCB (sarcoglycan beta; minus strand). Cytogenetic location: 4q12.
Variant type: single nucleotide variant.
Coding change: c.715A>G on transcript NM_000232.5 (MANE Select); coding-DNA position 715, A replaced by G.
Protein change: p.Ile239Val; replaces isoleucine 239 with valine.
Molecular consequence: missense variant.
Genome position (GRCh38, 1-based): chr4:52,028,006, T>C on the plus strand (A>G on the coding strand, the complement: SGCB is on the minus strand). VCF-style: chr4-52028006-T-C. GRCh37 (hg19) VCF-style: chr4-52894172-T-C.
Other names: short protein forms I239V.
Identifiers: ClinVar variation 645054 (VCV000645054.10), dbSNP rs868151547, ClinGen allele CA96776361.

ClinVar aggregate classification (germline): Uncertain significance. Review status: criteria provided, multiple submitters, no conflicts (2 of 4 stars). 3 submissions from 3 submitters: Uncertain significance (2). 1 of the submissions does not count toward it. Last evaluated 2025-12-04.

Conditions:
Autosomal recessive limb-girdle muscular dystrophy type 2E (LGMDR4). Also called: MUSCULAR DYSTROPHY, LIMB-GIRDLE, AUTOSOMAL RECESSIVE 4. Identifiers: Orphanet 119, MedGen C1858593, MONDO:0011423, OMIM 604286. Disease mechanism: Affects gamma-sarcoglycan and also disrupts the integrity of the entire sarcoglycan complex..

Allele frequency attached by ClinVar (database versions not stated): gnomAD exomes 0.00002 and 0.00004; TOPMed 0.00003; gnomAD 0.00004.
gnomAD v4.1: 29 of 1,613,834 alleles (0.0018%); highest among the groups gnomAD compares: Admixed American, 0.027%; no homozygotes.

Submissions (3):

Myriad Genetics, Inc.
Classification: Uncertain significance for Autosomal recessive limb-girdle muscular dystrophy type 2E. Last evaluated: 2025-12-04. Review status: criteria provided, single submitter. Criteria: Myriad Autosomal Dominant, Autosomal Recessive and X-Linked Classification Criteria (2023). Collection method: clinical testing. Allele origin: unknown.
Comment: NM_000232.4(SGCB):c.715A>G(I239V) is a missense variant classified as a variant of uncertain significance in the context of beta-sarcoglycanopathy. I239V has not been observed in cases with relevant disease. Relevant functional assessments of this variant are not available in the literature. I239V has been observed in referenced population frequency databases. In summary, there is insufficient evidence to classify NM_000232.4(SGCB):c.715A>G(I239V) as pathogenic or benign. Please note: this variant was assessed in the context of healthy population screening.

Labcorp Genetics (formerly Invitae), Labcorp
Classification: Uncertain significance for Autosomal recessive limb-girdle muscular dystrophy type 2E. Last evaluated: 2022-10-25. Review status: criteria provided, single submitter. Criteria: Invitae Variant Classification Sherloc (09022015). Collection method: clinical testing. Allele origin: germline.
Comment: This sequence change replaces isoleucine, which is neutral and non-polar, with valine, which is neutral and non-polar, at codon 239 of the SGCB protein (p.Ile239Val). This variant is present in population databases (no rsID available, gnomAD 0.02%). This variant has not been reported in the literature in individuals affected with SGCB-related conditions. ClinVar contains an entry for this variant (Variation ID: 645054). Advanced modeling of protein sequence and biophysical properties (such as structural, functional, and spatial information, amino acid conservation, physicochemical variation, residue mobility, and thermodynamic stability) performed at Invitae indicates that this missense variant is not expected to disrupt SGCB protein function. In summary, the available evidence is currently insufficient to determine the role of this variant in disease. Therefore, it has been classified as a Variant of Uncertain Significance.

Natera, Inc.
Classification: Uncertain significance for Limb-girdle muscular dystrophy type 2E. Last evaluated: 2020-10-20. Review status: no assertion criteria provided. Collection method: clinical testing. Allele origin: germline. Not counted in ClinVar's aggregate classification.